The following is an entry in ClinVar:

NM_000554.6(CRX):c.418G>C (p.Asp140His)

Gene: CRX (cone-rod homeobox; plus strand). Cytogenetic location: 19q13.33.
Variant type: single nucleotide variant.
Coding change: c.418G>C on transcript NM_000554.6 (MANE Select); coding-DNA position 418, G replaced by C.
Protein change: p.Asp140His; replaces aspartic acid 140 with histidine.
Molecular consequence: missense variant.
Genome position (GRCh38, 1-based): chr19:47,839,485, G>C. VCF-style: chr19-47839485-G-C. GRCh37 (hg19) VCF-style: chr19-48342742-G-C.
Other names: short protein forms D140H.
Identifiers: ClinVar variation 3760995 (VCV003760995.2).

ClinVar aggregate classification (germline): Uncertain significance (1 of 4 stars; one submission).

Conditions:
Cone-rod dystrophy 2 (CORD2). Also called: CONE-ROD RETINAL DYSTROPHY; Cone-rod retinal dystrophy 2. Identifiers: Orphanet 1872, MedGen C3489532, MONDO:0007362, OMIM 120970.
Leber congenital amaurosis 7 (LCA7). Identifiers: Orphanet 65, MedGen C3151192, MONDO:0013449, OMIM 613829.

gnomAD v4.1: 15 of 1,613,886 alleles (0.00093%); highest among the groups gnomAD compares: Non-Finnish European, 0.0013%; no homozygotes.

Submission:

Labcorp Genetics (formerly Invitae), Labcorp
Classification: Uncertain significance for Cone-rod dystrophy 2; Leber congenital amaurosis 7. Last evaluated: 2024-06-25. Review status: criteria provided, single submitter. Criteria: Invitae Variant Classification Sherloc (09022015). Collection method: clinical testing. Allele origin: germline.
Comment: This sequence change replaces aspartic acid, which is acidic and polar, with histidine, which is basic and polar, at codon 140 of the CRX protein (p.Asp140His). This variant is present in population databases (rs764073868, gnomAD 0.002%). This variant has not been reported in the literature in individuals affected with CRX-related conditions. Advanced modeling of protein sequence and biophysical properties (such as structural, functional, and spatial information, amino acid conservation, physicochemical variation, residue mobility, and thermodynamic stability) performed at Invitae indicates that this missense variant is not expected to disrupt CRX protein function with a negative predictive value of 80%. In summary, the available evidence is currently insufficient to determine the role of this variant in disease. Therefore, it has been classified as a Variant of Uncertain Significance.